The following is an entry in ClinVar:

ClinVar aggregate classification (germline): Likely benign (1 of 4 stars; one submission).

Conditions:
EHHADH-related disorder. Also called: EHHADH-related condition.

gnomAD v4.1: 1 of 1,614,062 alleles (0.000062%); highest among the groups gnomAD compares: African/African-American, 0.0013%; no homozygotes.

Submission:

PreventionGenetics, part of Exact Sciences
Classification: Likely benign for EHHADH-related condition. Last evaluated: 2026-01-02. Review status: criteria provided, single submitter. Criteria: ACMG Guidelines, 2015. Collection method: clinical testing. Allele origin: germline.
Comment: This variant is classified as likely benign based on ACMG/AMP sequence variant interpretation guidelines (Richards et al. 2015 PMID: 25741868, with internal and published modifications).

NM_001966.4(EHHADH):c.1804C>A (p.Arg602=)

Gene: EHHADH (enoyl-CoA hydratase and 3-hydroxyacyl CoA dehydrogenase; minus strand). Cytogenetic location: 3q27.2.
Variant type: single nucleotide variant.
Coding change: c.1804C>A on transcript NM_001966.4 (MANE Select); coding-DNA position 1804, C replaced by A.
Protein change: p.Arg602=; no amino-acid change (arginine 602 retained).
Molecular consequence: synonymous variant.
Genome position (GRCh38, 1-based): chr3:185,192,594, G>T on the plus strand (C>A on the coding strand, the complement: EHHADH is on the minus strand). VCF-style: chr3-185192594-G-T. GRCh37 (hg19) VCF-style: chr3-184910382-G-T.
Other names: c.1516C>A, p.Arg506= (NM_001166415.2).
Identifiers: ClinVar variation 4977316 (VCV004977316.1).